The following is an entry in ClinVar:

ClinVar aggregate classification (germline): Benign. Review status: criteria provided, multiple submitters, no conflicts (2 of 4 stars). 4 submissions from 4 submitters: Benign (3). 1 of the submissions does not count toward it. Last evaluated 2026-01-28.

Conditions:
RNF213-related disorder. Also called: RNF213-related condition.

Allele frequency attached by ClinVar (database versions not stated): gnomAD exomes 0.17137 and 0.19566; ExAC 0.18000; 1000 Genomes Project 30x 0.22455; TOPMed 0.24087; 1000 Genomes Project 0.22025; gnomAD 0.23675 and 0.24302; ESP Exome Variant Server 0.25850.
gnomAD v4.1: 321,282 of 1,613,568 alleles (20%); highest among the groups gnomAD compares: African/African-American, 41%; 34,904 homozygotes.

Submissions (4):

Labcorp Genetics (formerly Invitae), Labcorp
Classification: Benign. Last evaluated: 2026-01-28. Review status: criteria provided, single submitter. Criteria: Invitae Variant Classification Sherloc (09022015). Collection method: clinical testing. Allele origin: germline.

Mayo Clinic Laboratories, Mayo Clinic
Classification: Benign. Last evaluated: 2022-04-26. Review status: criteria provided, single submitter. Criteria: ACMG Guidelines, 2015. Collection method: clinical testing. Allele origin: germline. Observed: 114 variant alleles.

Breakthrough Genomics
Classification: Benign. Review status: criteria provided, single submitter. Criteria: ACMG Guidelines, 2015. Collection method: not provided. Allele origin: germline. Inheritance: Autosomal dominant inheritance. Affected: yes.

PreventionGenetics, part of Exact Sciences
Classification: Benign for RNF213-related condition. Last evaluated: 2019-11-08. Review status: no assertion criteria provided. Collection method: clinical testing. Allele origin: germline. Not counted in ClinVar's aggregate classification.
Comment: This variant is classified as benign based on ACMG/AMP sequence variant interpretation guidelines (Richards et al. 2015 PMID: 25741868, with internal and published modifications).

NM_001256071.3(RNF213):c.990G>A (p.Lys330=)

Gene: RNF213 (ring finger protein 213; plus strand). Cytogenetic location: 17q25.3.
Variant type: single nucleotide variant.
Coding change: c.990G>A on transcript NM_001256071.3 (MANE Select); coding-DNA position 990, G replaced by A.
Protein change: p.Lys330=; no amino-acid change (lysine 330 retained).
Molecular consequence: synonymous variant.
Genome position (GRCh38, 1-based): chr17:80,289,715, G>A. VCF-style: chr17-80289715-G-A. GRCh37 (hg19) VCF-style: chr17-78263514-G-A.
Other names: p.Lys330=; c.990G>A, p.Lys330= (NM_020954.4); c.990G>A (NM_001256071.2).
Identifiers: ClinVar variation 1559897 (VCV001559897.12), dbSNP rs17853713, ClinGen allele CA8819417.